The following is an entry in ClinVar:

NM_004006.3(DMD):c.5180T>C (p.Ile1727Thr)

Gene: DMD (dystrophin; minus strand). Cytogenetic location: Xp21.1.
Variant type: single nucleotide variant.
Coding change: c.5180T>C on transcript NM_004006.3 (MANE Select); coding-DNA position 5180, T replaced by C.
Protein change: p.Ile1727Thr; replaces isoleucine 1727 with threonine.
Molecular consequence: missense variant.
Genome position (GRCh38, 1-based): chrX:32,362,933, A>G on the plus strand (T>C on the coding strand, the complement: DMD is on the minus strand). VCF-style: chrX-32362933-A-G. GRCh37 (hg19) VCF-style: chrX-32381050-A-G.
Other names: c.5156T>C, p.Ile1719Thr (NM_000109.4); c.5168T>C, p.Ile1723Thr (NM_004009.3); c.4811T>C, p.Ile1604Thr (NM_004010.3); c.1157T>C, p.Ile386Thr (NM_004011.4); c.1148T>C, p.Ile383Thr (NM_004012.4); short protein forms I1604T, I383T, I1727T, I386T, I1719T, I1723T.
Identifiers: ClinVar variation 2144764 (VCV002144764.1), dbSNP rs1423274422, ClinGen allele CA412671340.

ClinVar aggregate classification (germline): Uncertain significance (1 of 4 stars; one submission).

Conditions:
Duchenne muscular dystrophy (DMD). Also called: MUSCULAR DYSTROPHY, PSEUDOHYPERTROPHIC PROGRESSIVE, DUCHENNE TYPE; Duchenne Muscular Dystrophy (DMD). Identifiers: Orphanet 98896, MedGen C0013264, MONDO:0010679, OMIM 310200.

Allele frequency attached by ClinVar (database versions not stated): gnomAD exomes below 0.00001; gnomAD 0.00001; TOPMed 0.00001.
gnomAD v4.1: 3 of 1,208,860 alleles (0.00025%); highest among the groups gnomAD compares: Non-Finnish European, 0.00034%; no homozygotes.

Submission:

Labcorp Genetics (formerly Invitae), Labcorp
Classification: Uncertain significance for Duchenne muscular dystrophy. Last evaluated: 2022-02-18. Review status: criteria provided, single submitter. Criteria: Invitae Variant Classification Sherloc (09022015). Collection method: clinical testing. Allele origin: germline.
Comment: This sequence change replaces isoleucine, which is neutral and non-polar, with threonine, which is neutral and polar, at codon 1727 of the DMD protein (p.Ile1727Thr). This variant is not present in population databases (gnomAD no frequency). This variant has not been reported in the literature in individuals affected with DMD-related conditions. Algorithms developed to predict the effect of missense changes on protein structure and function (SIFT, PolyPhen-2, Align-GVGD) all suggest that this variant is likely to be tolerated. In summary, the available evidence is currently insufficient to determine the role of this variant in disease. Therefore, it has been classified as a Variant of Uncertain Significance.